The following is an entry in ClinVar:

NM_015443.4(KANSL1):c.3105G>C (p.Trp1035Cys)

Gene: KANSL1 (KAT8 regulatory NSL complex subunit 1). Cytogenetic location: 17q21.31.
Variant type: single nucleotide variant.
Coding change: c.3105G>C on transcript NM_015443.4 (MANE Select); coding-DNA position 3105, G replaced by C.
Protein change: p.Trp1035Cys; replaces tryptophan 1035 with cysteine.
Molecular consequence: missense variant.
Genome position (GRCh38, 1-based): chr17:46,031,689, C>G on the plus strand (G>C on the coding strand, the complement: KANSL1 is on the minus strand). VCF-style: chr17-46031689-C-G. GRCh37 (hg19) VCF-style: chr17-44109055-C-G.
Other names: c.3102G>C, p.Trp1034Cys (NM_001193465.2); c.3105G>C, p.Trp1035Cys (NM_001193466.2, NM_001379198.1); short protein forms W1035C, W1034C.
Identifiers: ClinVar variation 1496997 (VCV001496997.9), dbSNP rs2146302096, ClinGen allele CA399986157.

ClinVar aggregate classification (germline): Uncertain significance. Review status: criteria provided, multiple submitters, no conflicts (2 of 4 stars). 2 submissions from 2 submitters: Uncertain significance (2). Last evaluated 2023-02-01.

Conditions:
Koolen-de Vries syndrome (KDVS). Identifiers: Orphanet 96169, MedGen C1864871, MONDO:0012496, OMIM 610443.

Submissions (2):

Greenwood Genetic Center Diagnostic Laboratories, Greenwood Genetic Center
Classification: Uncertain significance. Last evaluated: 2023-02-01. Review status: criteria provided, single submitter. Criteria: ACMG Guidelines, 2015. Collection method: clinical testing. Allele origin: germline. Affected: yes.
Comment: PM2

Labcorp Genetics (formerly Invitae), Labcorp
Classification: Uncertain significance for Koolen-de Vries syndrome. Last evaluated: 2022-07-12. Review status: criteria provided, single submitter. Criteria: Invitae Variant Classification Sherloc (09022015). Collection method: clinical testing. Allele origin: germline.
Comment: This variant has not been reported in the literature in individuals affected with KANSL1-related conditions. In summary, the available evidence is currently insufficient to determine the role of this variant in disease. Therefore, it has been classified as a Variant of Uncertain Significance. Algorithms developed to predict the effect of missense changes on protein structure and function are either unavailable or do not agree on the potential impact of this missense change (SIFT: "Deleterious"; PolyPhen-2: "Probably Damaging"; Align-GVGD: "Class C0"). ClinVar contains an entry for this variant (Variation ID: 1496997). This variant is not present in population databases (gnomAD no frequency). This sequence change replaces tryptophan, which is neutral and slightly polar, with cysteine, which is neutral and slightly polar, at codon 1035 of the KANSL1 protein (p.Trp1035Cys).